The following is an entry in ClinVar:

NM_005045.4(RELN):c.415A>G (p.Thr139Ala)

Gene: RELN (reelin; minus strand). Cytogenetic location: 7q22.1.
Variant type: single nucleotide variant.
Coding change: c.415A>G on transcript NM_005045.4 (MANE Select); coding-DNA position 415, A replaced by G.
Protein change: p.Thr139Ala; replaces threonine 139 with alanine.
Molecular consequence: missense variant.
Genome position (GRCh38, 1-based): chr7:103,833,595, T>C on the plus strand (A>G on the coding strand, the complement: RELN is on the minus strand). VCF-style: chr7-103833595-T-C. GRCh37 (hg19) VCF-style: chr7-103474042-T-C.
Other names: c.415A>G, p.Thr139Ala (NM_173054.3); short protein forms T139A.
Identifiers: ClinVar variation 1433738 (VCV001433738.6), dbSNP rs1239164551, ClinGen allele CA368930770.

ClinVar aggregate classification (germline): Uncertain significance (1 of 4 stars; one submission).

Conditions:
Familial temporal lobe epilepsy 7. Identifiers: Orphanet 101046, MedGen C4225327, MONDO:0014639, OMIM 616436.
Norman-Roberts syndrome (LIS2). Also called: Lissencephaly 2 (Norman-Roberts type). Identifiers: Orphanet 89844, MedGen C0796089, MONDO:0009760, OMIM 257320.

Allele frequency attached by ClinVar (database versions not stated): gnomAD exomes below 0.00001 and 0.00002; gnomAD 0.00001 and 0.00003; TOPMed 0.00003.
gnomAD v4.1: 32 of 1,613,882 alleles (0.002%); highest among the groups gnomAD compares: Admixed American, 0.005%; no homozygotes.

Submission:

Labcorp Genetics (formerly Invitae), Labcorp
Classification: Uncertain significance for Familial temporal lobe epilepsy 7; Norman-Roberts syndrome. Last evaluated: 2025-07-02. Review status: criteria provided, single submitter. Criteria: Invitae Variant Classification Sherloc (09022015). Collection method: clinical testing. Allele origin: germline.
Comment: This sequence change replaces threonine, which is neutral and polar, with alanine, which is neutral and non-polar, at codon 139 of the RELN protein (p.Thr139Ala). This variant is present in population databases (no rsID available, gnomAD 0.0009%). This variant has not been reported in the literature in individuals affected with RELN-related conditions. ClinVar contains an entry for this variant (Variation ID: 1433738). Invitae Evidence Modeling of protein sequence and biophysical properties (such as structural, functional, and spatial information, amino acid conservation, physicochemical variation, residue mobility, and thermodynamic stability) indicates that this missense variant is not expected to disrupt RELN protein function with a negative predictive value of 80%. In summary, the available evidence is currently insufficient to determine the role of this variant in disease. Therefore, it has been classified as a Variant of Uncertain Significance.